The following is an entry in ClinVar:

NM_001267550.2(TTN):c.44018G>A (p.Arg14673Gln)

Gene: TTN (titin; minus strand). Cytogenetic location: 2q31.2.
Variant type: single nucleotide variant.
Coding change: c.44018G>A on transcript NM_001267550.2 (MANE Select); coding-DNA position 44018, G replaced by A.
Protein change: p.Arg14673Gln; replaces arginine 14673 with glutamine.
Molecular consequence: missense variant.
Genome position (GRCh38, 1-based): chr2:178,630,940, C>T on the plus strand (G>A on the coding strand, the complement: TTN is on the minus strand). VCF-style: chr2-178630940-C-T. GRCh37 (hg19) VCF-style: chr2-179495667-C-T.
Other names: c.39095G>A, p.Arg13032Gln (NM_001256850.1); c.16823G>A, p.Arg5608Gln (NM_003319.4); c.36314G>A, p.Arg12105Gln (NM_133378.4); c.17198G>A, p.Arg5733Gln (NM_133432.3); c.17399G>A, p.Arg5800Gln (NM_133437.4); short protein forms R5608Q, R5733Q, R13032Q, R14673Q, R5800Q, R12105Q.
Identifiers: ClinVar variation 1777931 (VCV001777931.5), dbSNP rs764971622, ClinGen allele CA1995768.
Genomic context (GRCh38, chr2:178,630,940, plus strand): 5'-CGTGCTGTCTCAGTCTCCATCACCTCCACACTGTGCAGGGGTCGCACCAGTTTAATTTCC[C>T]GATCTAGAAAAGTGAAGGGCCAGCATGGGTCATTAGCCTCTGGCACAAATAACCCCAATG-3'
Protein context (NP_001254479.2, residues 14663-14683): KTSGKLDIED[Arg14673Gln]EIKLVRPLHS

ClinVar aggregate classification (germline): Uncertain significance. Review status: criteria provided, multiple submitters, no conflicts (2 of 4 stars). 2 submissions from 2 submitters: Uncertain significance (2). Last evaluated 2019-07-18.

Conditions:
Cardiovascular phenotype. Identifiers: MedGen CN230736.

Allele frequency attached by ClinVar (database versions not stated): ExAC 0.00001; gnomAD 0.00001; gnomAD exomes 0.00001.
gnomAD v4.1: 16 of 1,611,204 alleles (0.00099%); highest among the groups gnomAD compares: Admixed American, 0.0034%; no homozygotes.

Submissions (2):

Ambry Genetics
Classification: Uncertain significance for Cardiovascular phenotype. Last evaluated: 2019-07-18. Review status: criteria provided, single submitter. Criteria: Ambry Variant Classification Scheme 2023. Collection method: clinical testing. Allele origin: germline.
Comment: The p.R5608Q variant (also known as c.16823G>A), located in coding exon 65 of the TTN gene, results from a G to A substitution at nucleotide position 16823. The arginine at codon 5608 is replaced by glutamine, an amino acid with highly similar properties. This amino acid position is highly conserved in available vertebrate species. In addition, this alteration is predicted to be tolerated by in silico analysis. Since supporting evidence is limited at this time, the clinical significance of this alteration remains unclear.

Revvity Omics, Revvity
Classification: Uncertain significance. Last evaluated: 2019-07-10. Review status: criteria provided, single submitter. Criteria: ACMG Guidelines, 2015. Collection method: clinical testing. Allele origin: germline.